The following is an entry in ClinVar:

ClinVar aggregate classification (germline): Conflicting classifications of pathogenicity. Review status: criteria provided, conflicting classifications (1 of 4 stars). 2 submissions from 2 submitters: Uncertain significance (1); Likely benign (1). Last evaluated 2024-10-24.

Conditions:
Craniosynostosis syndrome. Also called: Craniosynostosis. Identifiers: Orphanet 1531, MedGen C0010278, MeSH D003398, MONDO:0015469, HP:0001363.
Hypogonadotropic hypogonadism 2 with or without anosmia (HH2). Also called: HYPOGONADOTROPIC HYPOGONADISM 2 WITHOUT ANOSMIA; HYPOGONADOTROPIC HYPOGONADISM 2 WITH OR WITHOUT ANOSMIA, SUSCEPTIBILITY TO; HYPOGONADOTROPIC HYPOGONADISM 2 WITHOUT ANOSMIA, SUSCEPTIBILITY TO; FGFR1-Related GnRH Deficiency (Kallmann Syndrome 2). Identifiers: Orphanet 478, MedGen C1563720, MONDO:0007844, OMIM 147950. Disease mechanism: loss of function.
Pfeiffer syndrome (ACS5). Also called: ACS V. Identifiers: Orphanet 710, MedGen C0220658, MONDO:0007043, OMIM 101600.

Allele frequency attached by ClinVar (database versions not stated): gnomAD exomes 0.00003 and 0.00004; TOPMed 0.00003; gnomAD 0.00004; ExAC 0.00006; ESP Exome Variant Server 0.00008; 1000 Genomes Project 0.00020; 1000 Genomes Project 30x 0.00031.
gnomAD v4.1: 54 of 1,614,110 alleles (0.0033%); highest among the groups gnomAD compares: South Asian, 0.0099%; no homozygotes.

Submissions (2):

Labcorp Genetics (formerly Invitae), Labcorp
Classification: Uncertain significance for Pfeiffer syndrome; Hypogonadotropic hypogonadism 2 with or without anosmia. Last evaluated: 2024-10-24. Review status: criteria provided, single submitter. Criteria: Invitae Variant Classification Sherloc (09022015). Collection method: clinical testing. Allele origin: germline.
Comment: This sequence change replaces valine, which is neutral and non-polar, with methionine, which is neutral and non-polar, at codon 248 of the FGFR1 protein (p.Val248Met). This variant is present in population databases (rs186746130, gnomAD 0.02%). This variant has not been reported in the literature in individuals affected with FGFR1-related conditions. ClinVar contains an entry for this variant (Variation ID: 362899). Invitae Evidence Modeling of protein sequence and biophysical properties (such as structural, functional, and spatial information, amino acid conservation, physicochemical variation, residue mobility, and thermodynamic stability) indicates that this missense variant is not expected to disrupt FGFR1 protein function with a negative predictive value of 80%. In summary, the available evidence is currently insufficient to determine the role of this variant in disease. Therefore, it has been classified as a Variant of Uncertain Significance.

Illumina Laboratory Services, Illumina
Classification: Likely benign for Craniosynostosis. Last evaluated: 2017-04-27. Review status: criteria provided, single submitter. Criteria: ICSL Variant Classification Criteria 13 December 2019. Collection method: clinical testing. Allele origin: germline.
Comment: This variant was observed as part of a predisposition screen in an ostensibly healthy population. A literature search was performed for the gene, cDNA change, and amino acid change (where applicable). No publications were found based on this search. Allele frequency data from public databases allowed determination this variant is unlikely to cause disease. Therefore, this variant is classified as likely benign.

NM_023110.3(FGFR1):c.742G>A (p.Val248Met)

Gene: FGFR1 (fibroblast growth factor receptor 1; minus strand). Cytogenetic location: 8p11.23.
Variant type: single nucleotide variant.
Coding change: c.742G>A on transcript NM_023110.3 (MANE Select); coding-DNA position 742, G replaced by A.
Protein change: p.Val248Met; replaces valine 248 with methionine.
Molecular consequence: missense variant.
Genome position (GRCh38, 1-based): chr8:38,426,125, C>T on the plus strand (G>A on the coding strand, the complement: FGFR1 is on the minus strand). VCF-style: chr8-38426125-C-T. GRCh37 (hg19) VCF-style: chr8-38283643-C-T.
Other names: c.742G>A, p.Val248Met (NM_001174063.2); c.718G>A, p.Val240Met (NM_001174064.2); c.736G>A, p.Val246Met (NM_001174065.2, NM_001354367.2, NM_001354369.2 and 1 more transcripts); c.475G>A, p.Val159Met (NM_001174066.2, NM_023105.3); c.835G>A, p.Val279Met (NM_001174067.2); c.469G>A, p.Val157Met (NM_001354368.2, NM_001354370.2, NM_023106.3); short protein forms V248M, V246M, V279M, V159M, V240M, V157M.
Identifiers: ClinVar variation 362899 (VCV000362899.7), dbSNP rs186746130, ClinGen allele CA4718662.
Genomic context (GRCh38, chr8:38,426,125, plus strand): 5'-CTCCAAGCCTGGCTCTTCCCACTAAACTCATTCCTCCTGCTGCCTCTGCCCTCTTACCCA[C>T]GACATCCAGCTGGTATGTGTGGTTGATGCTGCCGTACTCATTCTCCACAATGCAGGTGTA-3'
Protein context (NP_075598.2, residues 238-258): SINHTYQLDV[Val248Met]ERSPHRPILQ